The following is an entry in ClinVar:

NM_002968.3(SALL1):c.3756C>A (p.Ile1252=)

Gene: SALL1 (spalt like transcription factor 1; minus strand). Cytogenetic location: 16q12.1.
Variant type: single nucleotide variant.
Coding change: c.3756C>A on transcript NM_002968.3 (MANE Select); coding-DNA position 3756, C replaced by A.
Protein change: p.Ile1252=; no amino-acid change (isoleucine 1252 retained).
Molecular consequence: synonymous variant.
Genome position (GRCh38, 1-based): chr16:51,137,331, G>T on the plus strand (C>A on the coding strand, the complement: SALL1 is on the minus strand). VCF-style: chr16-51137331-G-T. GRCh37 (hg19) VCF-style: chr16-51171242-G-T.
Other names: c.3465C>A, p.Ile1155= (NM_001127892.2).
Identifiers: ClinVar variation 3384481 (VCV003384481.1).
Genomic context (GRCh38, chr16:51,137,331, plus strand): 5'-GCTGTTCCCACTGCCGAGGCTTCCAGGAATTGGAGGGATGCCACCGTTCTGAATGACGGA[G>T]ATCTCGTTGGCCTTCATCGCCAGCCCGTTGGAGAGCGCTGCTGCATACTGATTCCAGAAG-3'
Protein context (NP_002959.2, residues 1242-1262): SNGLAMKANE[Ile1252=]SVIQNGGIPP

ClinVar aggregate classification (germline): Uncertain significance (1 of 4 stars; one submission).

gnomAD v4.1: 10 of 1,614,042 alleles (0.00062%); highest among the groups gnomAD compares: Non-Finnish European, 0.00085%; no homozygotes.

Submission:

GeneDx
Classification: Uncertain significance. Last evaluated: 2024-06-04. Review status: criteria provided, single submitter. Criteria: GeneDx Variant Classification Process June 2021. Collection method: clinical testing. Allele origin: germline. Affected: yes.
Comment: In silico analysis indicates that this variant does not alter splicing; Has not been previously published as pathogenic or benign to our knowledge